The following is an entry in ClinVar:

NM_000059.4(BRCA2):c.9257-1523A>G

Gene: BRCA2 (BRCA2 DNA repair associated; plus strand). Cytogenetic location: 13q13.1.
Variant type: single nucleotide variant.
Coding change: c.9257-1523A>G on transcript NM_000059.4 (MANE Select); 1523 bases into the intron before coding-DNA position 9257, A replaced by G.
Molecular consequence: intron variant.
Genome position (GRCh38, 1-based): chr13:32,393,166, A>G. VCF-style: chr13-32393166-A-G. GRCh37 (hg19) VCF-style: chr13-32967303-A-G.
Other names: IVS 24-1523A>G.
Identifiers: ClinVar variation 209901 (VCV000209901.1), dbSNP rs7318434, ClinGen allele CA276869.

ClinVar aggregate classification (germline): Benign (3 of 4 stars; one submission).

Conditions:
Breast-ovarian cancer, familial, susceptibility to, 2 (BROVCA2). Also called: BRCA2 Hereditary Breast and Ovarian Cancer. Identifiers: Orphanet 145, MedGen C2675520, MONDO:0012933, OMIM 612555. Disease mechanism: loss of function.

Allele frequency attached by ClinVar (database versions not stated): gnomAD 0.00960 and 0.01034; 1000 Genomes Project 0.00998; 1000 Genomes Project 30x 0.01031; TOPMed 0.01046.
gnomAD v4.1: 1,450 of 152,312 alleles (0.95%); highest among the groups gnomAD compares: African/African-American, 3.4%; 26 homozygotes.

Submission:

Evidence-based Network for the Interpretation of Germline Mutant Alleles (ENIGMA)
Classification: Benign for Breast-ovarian cancer, familial 2. Last evaluated: 2015-01-12. Review status: reviewed by expert panel. Criteria: ENIGMA BRCA1/2 Classification Criteria (2015). Collection method: curation. Allele origin: germline.
Comment: Class 1 not pathogenic based on frequency >1% in an outbred sampleset. Frequency 0.04268 (African), derived from 1000 genomes (2012-04-30).